The following is an entry in ClinVar:

ClinVar aggregate classification (germline): Uncertain significance. Review status: criteria provided, multiple submitters, no conflicts (2 of 4 stars). 2 submissions from 2 submitters: Uncertain significance (2). Last evaluated 2024-06-26.

Conditions:
Hereditary cancer-predisposing syndrome. Also called: Tumor predisposition; Hereditary neoplastic syndrome; Neoplastic Syndromes, Hereditary; Hereditary Cancer Syndrome. Identifiers: Orphanet 140162, MedGen C0027672, MeSH D009386, MONDO:0015356.

Allele frequency attached by ClinVar (database versions not stated): gnomAD exomes below 0.00001 and 0.00001; ExAC 0.00001; gnomAD 0.00001.
gnomAD v4.1: 8 of 1,614,028 alleles (0.0005%); highest among the groups gnomAD compares: South Asian, 0.0066%; no homozygotes.

Submissions (2):

Ambry Genetics
Classification: Uncertain significance for Hereditary cancer-predisposing syndrome. Last evaluated: 2024-06-26. Review status: criteria provided, single submitter. Criteria: Ambry Variant Classification Scheme 2023. Collection method: clinical testing. Allele origin: germline.
Comment: The p.C680Y variant (also known as c.2039G>A), located in coding exon 13 of the RAD50 gene, results from a G to A substitution at nucleotide position 2039. The cysteine at codon 680 is replaced by tyrosine, an amino acid with highly dissimilar properties. This amino acid position is conserved. In addition, this alteration is predicted to be deleterious by in silico analysis. Based on the available evidence, the clinical significance of this variant remains unclear.

Labcorp Genetics (formerly Invitae), Labcorp
Classification: Uncertain significance for Hereditary cancer-predisposing syndrome. Last evaluated: 2023-10-19. Review status: criteria provided, single submitter. Criteria: Invitae Variant Classification Sherloc (09022015). Collection method: clinical testing. Allele origin: germline.
Comment: This sequence change replaces cysteine, which is neutral and slightly polar, with tyrosine, which is neutral and polar, at codon 680 of the RAD50 protein (p.Cys680Tyr). This variant is present in population databases (rs753902735, gnomAD 0.006%). This variant has not been reported in the literature in individuals affected with RAD50-related conditions. ClinVar contains an entry for this variant (Variation ID: 665683). Advanced modeling of protein sequence and biophysical properties (such as structural, functional, and spatial information, amino acid conservation, physicochemical variation, residue mobility, and thermodynamic stability) performed at Invitae indicates that this missense variant is expected to disrupt RAD50 protein function. In summary, the available evidence is currently insufficient to determine the role of this variant in disease. Therefore, it has been classified as a Variant of Uncertain Significance.

NM_005732.4(RAD50):c.2039G>A (p.Cys680Tyr)

Gene: RAD50 (RAD50 double strand break repair protein; plus strand). Cytogenetic location: 5q31.1.
Variant type: single nucleotide variant.
Coding change: c.2039G>A on transcript NM_005732.4 (MANE Select); coding-DNA position 2039, G replaced by A.
Protein change: p.Cys680Tyr; replaces cysteine 680 with tyrosine.
Molecular consequence: missense variant.
Genome position (GRCh38, 1-based): chr5:132,595,642, G>A. VCF-style: chr5-132595642-G-A. GRCh37 (hg19) VCF-style: chr5-131931334-G-A.
Other names: short protein forms C680Y.
Identifiers: ClinVar variation 665683 (VCV000665683.12), dbSNP rs753902735, ClinGen allele CA3405322.